The following is an entry in ClinVar:

NM_000093.5(COL5A1):c.4962C>T (p.Tyr1654=)

Genes: COL5A1 (collagen type V alpha 1 chain; plus strand), LOC101448202 (uncharacterized LOC101448202; minus strand). Cytogenetic location: 9q34.3.
Variant type: single nucleotide variant.
Coding change: c.4962C>T on transcript NM_000093.5 (MANE Select); coding-DNA position 4962, C replaced by T.
Protein change: p.Tyr1654=; no amino-acid change (tyrosine 1654 retained).
Molecular consequence: synonymous variant.
Genome position (GRCh38, 1-based): chr9:134,825,799, C>T. VCF-style: chr9-134825799-C-T. GRCh37 (hg19) VCF-style: chr9-137717645-C-T.
Other names: c.4962C>T, p.Tyr1654= (NM_001278074.1); c.4962C>T (NM_000093.3).
Identifiers: ClinVar variation 737661 (VCV000737661.6), dbSNP rs998985081, ClinGen allele CA201101355.

ClinVar aggregate classification (germline): Likely benign. Review status: criteria provided, multiple submitters, no conflicts (2 of 4 stars). 3 submissions from 3 submitters: Likely benign (2). 1 of the submissions does not count toward it. Last evaluated 2024-03-06.

Conditions:
Familial thoracic aortic aneurysm and aortic dissection (TAAD). Also called: Thoracic aortic aneurysms and dissections. Identifiers: Orphanet 91387, MedGen C4707243, MONDO:0019625.
COL5A1-related disorder. Also called: COL5A1-related condition.

Allele frequency attached by ClinVar (database versions not stated): TOPMed 0.00001.
gnomAD v4.1: 2 of 1,610,636 alleles (0.00012%); highest among the groups gnomAD compares: African/African-American, 0.0013%; no homozygotes.

Submissions (3):

Ambry Genetics
Classification: Likely benign for Familial thoracic aortic aneurysm and aortic dissection. Last evaluated: 2024-03-06. Review status: criteria provided, single submitter. Criteria: Ambry Variant Classification Scheme 2023. Collection method: clinical testing. Allele origin: germline.

Labcorp Genetics (formerly Invitae), Labcorp
Classification: Likely benign. Last evaluated: 2018-03-29. Review status: criteria provided, single submitter. Criteria: Invitae Variant Classification Sherloc (09022015). Collection method: clinical testing. Allele origin: germline.

PreventionGenetics, part of Exact Sciences
Classification: Likely benign for COL5A1-related condition. Last evaluated: 2019-05-08. Review status: no assertion criteria provided. Collection method: clinical testing. Allele origin: germline. Not counted in ClinVar's aggregate classification.
Comment: This variant is classified as likely benign based on ACMG/AMP sequence variant interpretation guidelines (Richards et al. 2015 PMID: 25741868, with internal and published modifications).